The following is an entry in ClinVar:

ClinVar aggregate classification (germline): Uncertain significance (1 of 4 stars; one submission).

Conditions:
Rhabdoid tumor predisposition syndrome 2 (RTPS2). Identifiers: Orphanet 231108, Orphanet 69077, MedGen C2750074, MONDO:0013224, OMIM 613325.

Submission:

Labcorp Genetics (formerly Invitae), Labcorp
Classification: Uncertain significance for Rhabdoid tumor predisposition syndrome 2. Last evaluated: 2022-09-25. Review status: criteria provided, single submitter. Criteria: Invitae Variant Classification Sherloc (09022015). Collection method: clinical testing. Allele origin: germline.
Comment: This variant is not present in population databases (gnomAD no frequency). This variant has not been reported in the literature in individuals affected with SMARCA4-related conditions. Advanced modeling of protein sequence and biophysical properties (such as structural, functional, and spatial information, amino acid conservation, physicochemical variation, residue mobility, and thermodynamic stability) has been performed at Invitae for this missense variant, however the output from this modeling did not meet the statistical confidence thresholds required to predict the impact of this variant on SMARCA4 protein function. In summary, the available evidence is currently insufficient to determine the role of this variant in disease. Therefore, it has been classified as a Variant of Uncertain Significance. This sequence change replaces histidine, which is basic and polar, with proline, which is neutral and non-polar, at codon 1054 of the SMARCA4 protein (p.His1054Pro).

NM_003072.5(SMARCA4):c.3161A>C (p.His1054Pro)

Gene: SMARCA4 (SWI/SNF related BAF chromatin remodeling complex subunit ATPase 4; plus strand). Cytogenetic location: 19p13.2.
Variant type: single nucleotide variant.
Coding change: c.3161A>C on transcript NM_003072.5 (MANE Select); coding-DNA position 3161, A replaced by C.
Protein change: p.His1054Pro; replaces histidine 1054 with proline.
Molecular consequence: missense variant. On other transcripts: non-coding transcript variant (1).
Genome position (GRCh38, 1-based): chr19:11,025,501, A>C. VCF-style: chr19-11025501-A-C. GRCh37 (hg19) VCF-style: chr19-11136177-A-C.
Other names: c.3161A>C, p.His1054Pro (NM_001128844.3, NM_001128845.2, NM_001128846.2 and 6 more transcripts); short protein forms H1054P.
Identifiers: ClinVar variation 1720374 (VCV001720374.5), dbSNP rs2146498707, ClinGen allele CA404059316.